The following is an entry in ClinVar:

NM_004525.3(LRP2):c.11294G>A (p.Arg3765Gln)

Gene: LRP2 (LDL receptor related protein 2; minus strand). Cytogenetic location: 2q31.1.
Variant type: single nucleotide variant.
Coding change: c.11294G>A on transcript NM_004525.3 (MANE Select); coding-DNA position 11294, G replaced by A.
Protein change: p.Arg3765Gln; replaces arginine 3765 with glutamine.
Molecular consequence: missense variant.
Genome position (GRCh38, 1-based): chr2:169,170,637, C>T on the plus strand (G>A on the coding strand, the complement: LRP2 is on the minus strand). VCF-style: chr2-169170637-C-T. GRCh37 (hg19) VCF-style: chr2-170027147-C-T.
Other names: short protein forms R3765Q.
Identifiers: ClinVar variation 3375995 (VCV003375995.2).

ClinVar aggregate classification (germline): Uncertain significance. Review status: criteria provided, multiple submitters, no conflicts (2 of 4 stars). 2 submissions from 2 submitters: Uncertain significance (2). Last evaluated 2025-09-15.

Conditions:
LRP2-related disorder. Also called: LRP2-related condition.

gnomAD v4.1: 10 of 1,613,852 alleles (0.00062%); highest among the groups gnomAD compares: African/African-American, 0.0067%; no homozygotes.

Submissions (2):

PreventionGenetics, part of Exact Sciences
Classification: Uncertain significance for LRP2-related condition. Last evaluated: 2025-09-15. Review status: criteria provided, single submitter. Criteria: ACMG Guidelines, 2015. Collection method: clinical testing. Allele origin: germline.
Comment: The LRP2 c.11294G>A variant is predicted to result in the amino acid substitution p.Arg3765Gln. To our knowledge, this variant has not been reported in the literature. This variant is reported in 0.0040% of alleles in individuals of African descent in gnomAD. At this time, the clinical significance of this variant is uncertain due to the absence of conclusive functional and genetic evidence.

GeneDx
Classification: Uncertain significance. Last evaluated: 2024-05-07. Review status: criteria provided, single submitter. Criteria: GeneDx Variant Classification Process June 2021. Collection method: clinical testing. Allele origin: germline. Affected: yes.
Comment: In silico analysis supports that this missense variant has a deleterious effect on protein structure/function; This variant is associated with the following publications: (PMID: 36647814)